The following is an entry in ClinVar:

ClinVar aggregate classification (germline): Uncertain significance (1 of 4 stars; one submission).

Submission:

GeneDx
Classification: Uncertain significance. Last evaluated: 2023-06-02. Review status: criteria provided, single submitter. Criteria: GeneDx Variant Classification Process June 2021. Collection method: clinical testing. Allele origin: germline. Affected: yes.
Comment: In-frame deletion of 3 amino acids in a non-repeat region; In silico analysis supports that this variant does not alter protein structure/function; Has not been previously published as pathogenic or benign to our knowledge

NM_015100.4(POGZ):c.2889_2897del (p.Ser964_Gly966del)

Gene: POGZ (pogo transposable element derived with ZNF domain; minus strand). Cytogenetic location: 1q21.3.
Variant type: Deletion.
Coding change: c.2889_2897del on transcript NM_015100.4 (MANE Select); coding-DNA positions 2889 to 2897, 9 bases deleted (TAGTGGTGG; older notation c.2889_2897delTAGTGGTGG).
Protein change: p.Ser964_Gly966del.
Genome position (GRCh38, 1-based): chr1:151,406,138-151,406,146, CCACCACTA deleted on the plus strand (TAGTGGTGG on the coding strand, the reverse complement: POGZ is on the minus strand); deleting any 9 consecutive bases within chr1:151,406,138-151,406,153 gives the same sequence; the c. name uses the placement nearest the transcript's 3' end. VCF-style (leftmost placement, unchanged base first): chr1-151406137-TCCACCACTA-T. GRCh37 (hg19) VCF-style: chr1-151378613-TCCACCACTA-T.
Other names: c.2862_2870del, p.Ser955_Gly957del (NM_001194937.2); c.2703_2711del, p.Ser902_Gly904del (NM_001194938.2); c.2910_2918del, p.Ser971_Gly973del (NM_001410860.1); c.2604_2612del, p.Ser869_Gly871del (NM_145796.4); c.2730_2738del, p.Ser911_Gly913del (NM_207171.2).
Identifiers: ClinVar variation 3359402 (VCV003359402.1).